The following is an entry in ClinVar:

ClinVar aggregate classification (germline): Likely benign (0 of 4 stars; one submission).

Conditions:
PPP2R3A-related disorder. Also called: PPP2R3A-related condition.

Allele frequency attached by ClinVar (database versions not stated): 1000 Genomes Project 30x 0.00047; ExAC 0.00056; 1000 Genomes Project 0.00060; gnomAD exomes 0.00068; gnomAD 0.00075; ESP Exome Variant Server 0.00085; TOPMed 0.00086.
gnomAD v4.1: 1,144 of 1,613,590 alleles (0.071%); highest among the groups gnomAD compares: Middle Eastern, 1.5%; 3 homozygotes.

Submission:

PreventionGenetics, part of Exact Sciences
Classification: Likely benign for PPP2R3A-related condition. Last evaluated: 2019-02-28. Review status: no assertion criteria provided. Collection method: clinical testing. Allele origin: germline.
Comment: This variant is classified as likely benign based on ACMG/AMP sequence variant interpretation guidelines (Richards et al. 2015 PMID: 25741868, with internal and published modifications).

NM_002718.5(PPP2R3A):c.1146A>C (p.Val382=)

Gene: PPP2R3A (protein phosphatase 2 regulatory subunit B''alpha; plus strand). Cytogenetic location: 3q22.3.
Variant type: single nucleotide variant.
Coding change: c.1146A>C on transcript NM_002718.5 (MANE Select); coding-DNA position 1146, A replaced by C.
Protein change: p.Val382=; no amino-acid change (valine 382 retained).
Molecular consequence: synonymous variant. On other transcripts: intron variant (1).
Genome position (GRCh38, 1-based): chr3:136,002,644, A>C. VCF-style: chr3-136002644-A-C. GRCh37 (hg19) VCF-style: chr3-135721486-A-C.
Other names: c.-213-24188A>C (NM_001190447.2).
Identifiers: ClinVar variation 3043111 (VCV003043111.2), dbSNP rs71336047, ClinGen allele CA2630529.